The following is an entry in ClinVar:

NM_001042492.3(NF1):c.4618del (p.Ala1540fs)

Gene: NF1 (neurofibromin 1; plus strand). Cytogenetic location: 17q11.2.
Variant type: Deletion.
Coding change: c.4618del on transcript NM_001042492.3 (MANE Select); coding-DNA position 4618, one base deleted (G; older notation c.4618delG).
Protein change: p.Ala1540fs; shifts the reading frame from alanine 1540.
Molecular consequence: frameshift variant.
Genome position (GRCh38, 1-based): chr17:31,261,751, G deleted; the last of 2 consecutive G bases (chr17:31,261,750-31,261,751); deleting either gives the same sequence. VCF-style (leftmost placement, unchanged base first): chr17-31261749-TG-T. GRCh37 (hg19) VCF-style: chr17-29588767-TG-T.
Other names: c.4555delG (NM_000267.3); c.4555delG, p.Ala1519Glnfs (NM_000267.4); short protein forms A1519fs, A1540fs.
Identifiers: ClinVar variation 651837 (VCV000651837.5), dbSNP rs1597748742, ClinGen allele CA915949663.

ClinVar aggregate classification (germline): Pathogenic (1 of 4 stars; one submission).

Conditions:
Neurofibromatosis, type 1 (NF1). Also called: VON RECKLINGHAUSEN DISEASE; Neurofibromatosis, type I; NEUROFIBROMATOSIS, TYPE I, SOMATIC; Peripheral type neurofibromatosis. Identifiers: Orphanet 636, MedGen C0027831, MONDO:0018975, OMIM 162200. Disease mechanism: loss of function.

Submission:

Labcorp Genetics (formerly Invitae), Labcorp
Classification: Pathogenic for Neurofibromatosis, type 1. Last evaluated: 2020-02-05. Review status: criteria provided, single submitter. Criteria: Invitae Variant Classification Sherloc (09022015). Collection method: clinical testing. Allele origin: germline.
Comment: This variant has been observed in individual(s) with clinical features of neurofibromatosis, type 1 (Invitae). For these reasons, this variant has been classified as Pathogenic. Loss-of-function variants in NF1 are known to be pathogenic (PMID: 10712197, 23913538). This variant is not present in population databases (ExAC no frequency). This sequence change creates a premature translational stop signal (p.Ala1519Glnfs*34) in the NF1 gene. It is expected to result in an absent or disrupted protein product.

Literature cited by the submitters: PubMed 10712197; PubMed 23913538.